The following is an entry in ClinVar:

ClinVar aggregate classification (germline): Likely pathogenic. Review status: criteria provided, multiple submitters, no conflicts (2 of 4 stars). 2 submissions from 2 submitters: Likely pathogenic (2). Last evaluated 2021-03-16.

Conditions:
Myopathy, myofibrillar, 9, with early respiratory failure (MFM9). Also called: EDSTROM MYOPATHY; MYOPATHY, PROXIMAL, WITH EARLY RESPIRATORY MUSCLE INVOLVEMENT; Hereditary myopathy with early respiratory failure; Myopathy, distal, with early respiratory failure, autosomal dominant. Identifiers: Orphanet 178464, Orphanet 34521, MedGen C1863599, MONDO:0011362, OMIM 603689.

Submissions (2):

Johns Hopkins Genomics, Johns Hopkins University
Classification: Likely pathogenic for Myopathy, myofibrillar, 9, with early respiratory failure. Last evaluated: 2021-03-16. Review status: criteria provided, single submitter. Criteria: ACMG Guidelines, 2015. Collection method: clinical testing. Allele origin: germline.

GeneDx
Classification: Likely pathogenic. Last evaluated: 2021-02-19. Review status: criteria provided, single submitter. Criteria: GeneDx Variant Classification Process June 2021. Collection method: clinical testing. Allele origin: germline. Affected: yes.
Comment: Nonsense variant predicted to result in protein truncation or nonsense mediated decay and located in the Z-disk region of the TTN gene, which is not one of the regions known to be significantly associated with TTN-related disease; Not observed in large population cohorts (Lek et al., 2016); Has not been previously published as pathogenic or benign to our knowledge

Literature cited by the submitters: PubMed 29691892 (cited by Johns Hopkins Genomics, Johns Hopkins University).

NM_001267550.2(TTN):c.826C>T (p.Gln276Ter)

Gene: TTN (titin; minus strand). Cytogenetic location: 2q31.2.
Variant type: single nucleotide variant.
Coding change: c.826C>T on transcript NM_001267550.2 (MANE Select); coding-DNA position 826, C replaced by T.
Protein change: p.Gln276Ter; replaces glutamine 276 with a stop codon.
Molecular consequence: nonsense.
Genome position (GRCh38, 1-based): chr2:178,799,575, G>A on the plus strand (C>T on the coding strand, the complement: TTN is on the minus strand). VCF-style: chr2-178799575-G-A. GRCh37 (hg19) VCF-style: chr2-179664302-G-A.
Other names: c.826C>T, p.Gln276Ter (NM_001256850.1, NM_003319.4, NM_133378.4 and 3 more transcripts); short protein forms Q276*.
Identifiers: ClinVar variation 1048771 (VCV001048771.4), dbSNP rs2154358498, ClinGen allele CA349523261.
Genomic context (GRCh38, chr2:178,799,575, plus strand): 5'-CGTGTCTGACCGGGGAAGGGGAGTGTCTTATGGGCGATGGGGACTGCTGCCGAGCCAGCT[G>A]TGCTTTGGCAGCAATAGACGGTGGTGTTGGGGATCTTGACTTTGGCTTCGGAGGAATCCT-3'